The following is an entry in ClinVar:

ClinVar aggregate classification (germline): Uncertain significance (1 of 4 stars; one submission).

Conditions:
Hereditary cancer-predisposing syndrome. Also called: Hereditary Cancer Syndrome; Hereditary neoplastic syndrome; Neoplastic Syndromes, Hereditary; Tumor predisposition. Identifiers: Orphanet 140162, MedGen C0027672, MeSH D009386, MONDO:0015356.

Submission:

Ambry Genetics
Classification: Uncertain significance for Hereditary cancer-predisposing syndrome. Last evaluated: 2023-07-17. Review status: criteria provided, single submitter. Criteria: Ambry Variant Classification Scheme 2023. Collection method: clinical testing. Allele origin: germline.
Comment: The p.M452I variant (also known as c.1356G>T), located in coding exon 4 of the MSH6 gene, results from a G to T substitution at nucleotide position 1356. The methionine at codon 452 is replaced by isoleucine, an amino acid with highly similar properties. This amino acid position is highly conserved in available vertebrate species. In addition, this alteration is predicted to be deleterious by in silico analysis. Since supporting evidence is limited at this time, the clinical significance of this alteration remains unclear.

NM_000179.3(MSH6):c.1356G>T (p.Met452Ile)

Gene: MSH6 (mutS homolog 6; plus strand). Cytogenetic location: 2p16.3.
Variant type: single nucleotide variant.
Coding change: c.1356G>T on transcript NM_000179.3 (MANE Select); coding-DNA position 1356, G replaced by T.
Protein change: p.Met452Ile; replaces methionine 452 with isoleucine.
Molecular consequence: missense variant.
Genome position (GRCh38, 1-based): chr2:47,799,339, G>T. VCF-style: chr2-47799339-G-T. GRCh37 (hg19) VCF-style: chr2-48026478-G-T.
Other names: c.966G>T, p.Met322Ile (NM_001281492.2); c.450G>T, p.Met150Ile (NM_001281493.2, NM_001281494.2, NM_001406811.1 and 6 more transcripts); c.1452G>T, p.Met484Ile (NM_001406795.1, NM_001406802.1); c.1356G>T, p.Met452Ile (NM_001406796.1, NM_001406798.1, NM_001406800.1 and 4 more transcripts); c.1059G>T, p.Met353Ile (NM_001406797.1, NM_001406801.1, NM_001406805.1 and 10 more transcripts); c.831G>T, p.Met277Ile (NM_001406799.1, NM_001406806.1, NM_001406807.1); c.1278G>T, p.Met426Ile (NM_001406804.1); c.1362G>T, p.Met454Ile (NM_001406813.1); and 1 more; short protein forms M150I, M396I, M426I, M454I, M277I, M322I, M353I, M452I.
Identifiers: ClinVar variation 1770711 (VCV001770711.3), dbSNP rs2530604828, ClinGen allele CA346744722.